The following is an entry in ClinVar:

NM_001370298.3(FGD4):c.166+1G>A

Gene: FGD4 (FYVE, RhoGEF and PH domain containing 4; plus strand). Cytogenetic location: 12p11.21.
Variant type: single nucleotide variant.
Coding change: c.166+1G>A on transcript NM_001370298.3 (MANE Select); the canonical splice donor site of the intron after coding-DNA position 166, G replaced by A.
Molecular consequence: splice donor variant. On other transcripts: genic upstream transcript variant (1).
Genome position (GRCh38, 1-based): chr12:32,399,960, G>A. VCF-style: chr12-32399960-G-A. GRCh37 (hg19) VCF-style: chr12-32552894-G-A.
Other names: c.166+1G>A (NM_001384126.1); c.-102624G>A (NM_139241.3).
Identifiers: ClinVar variation 1705221 (VCV001705221.2), dbSNP rs765874488, ClinGen allele CA235327006.

ClinVar aggregate classification (germline): Uncertain significance (1 of 4 stars; one submission).

Allele frequency attached by ClinVar (database versions not stated): TOPMed 0.00012; gnomAD exomes 0.00013; gnomAD 0.00016.
gnomAD v4.1: 199 of 1,465,796 alleles (0.014%); highest among the groups gnomAD compares: Non-Finnish European, 0.017%; 1 homozygote.

Submission:

Women's Health and Genetics/Laboratory Corporation of America, LabCorp
Classification: Uncertain significance. Last evaluated: 2026-04-07. Review status: criteria provided, single submitter. Criteria: LabCorp Variant Classification Summary - May 2015. Collection method: clinical testing. Allele origin: germline.
Comment: Variant summary: FGD4 c.-102624G>A is located in the untranscribed region upstream of the FGD4 gene region. The variant allele was found at a frequency of 0.00014 in 1465796 control chromosomes in the gnomAD database, including 1 homozygote. This frequency is not significantly higher than estimated for disease-causing variants in FGD4, allowing no conclusion about variant significance. To our knowledge, no occurrence of c.-102624G>A in individuals affected with FGD4-related conditions and no experimental evidence demonstrating its impact on protein function have been reported. ClinVar contains an entry for this variant (Variation ID: 1705221). Based on the evidence outlined above, the variant was classified as uncertain significance.